The following is an entry in ClinVar:

ClinVar aggregate classification (germline): Uncertain significance. Review status: criteria provided, multiple submitters, no conflicts (2 of 4 stars). 2 submissions from 2 submitters: Uncertain significance (2). Last evaluated 2026-09-11.

Conditions:
Hereditary nonpolyposis colorectal neoplasms. Identifiers: MedGen C0009405, MeSH D003123.
Hereditary cancer-predisposing syndrome. Also called: Neoplastic Syndromes, Hereditary; Hereditary Cancer Syndrome; Hereditary neoplastic syndrome; Tumor predisposition. Identifiers: Orphanet 140162, MedGen C0027672, MeSH D009386, MONDO:0015356.

Submissions (2):

Ambry Genetics
Classification: Uncertain significance for Hereditary cancer-predisposing syndrome. Last evaluated: 2026-09-11. Review status: criteria provided, single submitter. Criteria: Ambry Variant Classification Scheme 2023. Collection method: clinical testing. Allele origin: germline.
Comment: The p.R988G variant (also known as c.2962C>G), located in coding exon 4 of the MSH6 gene, results from a C to G substitution at nucleotide position 2962. The arginine at codon 988 is replaced by glycine, an amino acid with dissimilar properties. This amino acid position is not well conserved in available vertebrate species. In addition, this alteration is predicted to be deleterious by in silico analysis. Based on the available evidence, the clinical significance of this variant remains unclear.

Labcorp Genetics (formerly Invitae), Labcorp
Classification: Uncertain significance for Hereditary nonpolyposis colorectal neoplasms. Last evaluated: 2024-05-08. Review status: criteria provided, single submitter. Criteria: Invitae Variant Classification Sherloc (09022015). Collection method: clinical testing. Allele origin: germline.
Comment: This sequence change replaces arginine, which is basic and polar, with glycine, which is neutral and non-polar, at codon 988 of the MSH6 protein (p.Arg988Gly). This variant is not present in population databases (gnomAD no frequency). This variant has not been reported in the literature in individuals affected with MSH6-related conditions. ClinVar contains an entry for this variant (Variation ID: 658287). Advanced modeling of protein sequence and biophysical properties (such as structural, functional, and spatial information, amino acid conservation, physicochemical variation, residue mobility, and thermodynamic stability) performed at Invitae indicates that this missense variant is not expected to disrupt MSH6 protein function with a negative predictive value of 95%. In summary, the available evidence is currently insufficient to determine the role of this variant in disease. Therefore, it has been classified as a Variant of Uncertain Significance.

NM_000179.3(MSH6):c.2962C>G (p.Arg988Gly)

Gene: MSH6 (mutS homolog 6; plus strand). Cytogenetic location: 2p16.3.
Variant type: single nucleotide variant.
Coding change: c.2962C>G on transcript NM_000179.3 (MANE Select); coding-DNA position 2962, C replaced by G.
Protein change: p.Arg988Gly; replaces arginine 988 with glycine.
Molecular consequence: missense variant.
Genome position (GRCh38, 1-based): chr2:47,800,945, C>G. VCF-style: chr2-47800945-C-G. GRCh37 (hg19) VCF-style: chr2-48028084-C-G.
Other names: c.2572C>G, p.Arg858Gly (NM_001281492.2); c.2056C>G, p.Arg686Gly (NM_001281493.2, NM_001281494.2); short protein forms R686G, R858G, R988G.
Identifiers: ClinVar variation 658287 (VCV000658287.12), dbSNP rs61753795, ClinGen allele CA346756279.